The following is an entry in ClinVar:

ClinVar aggregate classification (germline): Uncertain significance (1 of 4 stars; one submission).

Conditions:
Gorlin syndrome. Also called: Nevoid Basal Cell Carcinoma Syndrome; Basal cell nevus syndrome. Identifiers: Orphanet 377, MedGen C0004779, MONDO:0007187.

Submission:

Labcorp Genetics (formerly Invitae), Labcorp
Classification: Uncertain significance for Gorlin syndrome. Last evaluated: 2022-05-01. Review status: criteria provided, single submitter. Criteria: Invitae Variant Classification Sherloc (09022015). Collection method: clinical testing. Allele origin: germline.
Comment: In summary, the available evidence is currently insufficient to determine the role of this variant in disease. Therefore, it has been classified as a Variant of Uncertain Significance. Algorithms developed to predict the effect of missense changes on protein structure and function are either unavailable or do not agree on the potential impact of this missense change (SIFT: "Tolerated"; PolyPhen-2: "Probably Damaging"; Align-GVGD: "Class C0"). This variant has not been reported in the literature in individuals affected with PTCH1-related conditions. This variant is not present in population databases (gnomAD no frequency). This sequence change replaces valine, which is neutral and non-polar, with alanine, which is neutral and non-polar, at codon 1173 of the PTCH1 protein (p.Val1173Ala).

NM_000264.5(PTCH1):c.3518T>C (p.Val1173Ala)

Gene: PTCH1 (patched 1; minus strand). Cytogenetic location: 9q22.32.
Variant type: single nucleotide variant.
Coding change: c.3518T>C on transcript NM_000264.5 (MANE Select); coding-DNA position 3518, T replaced by C.
Protein change: p.Val1173Ala; replaces valine 1173 with alanine.
Molecular consequence: missense variant. On other transcripts: non-coding transcript variant (1).
Genome position (GRCh38, 1-based): chr9:95,449,872, A>G on the plus strand (T>C on the coding strand, the complement: PTCH1 is on the minus strand). VCF-style: chr9-95449872-A-G. GRCh37 (hg19) VCF-style: chr9-98212154-A-G.
Other names: c.3320T>C, p.Val1107Ala (NM_001083602.3); c.3515T>C, p.Val1172Ala (NM_001083603.3); c.3065T>C, p.Val1022Ala (NM_001083604.3, NM_001083605.3, NM_001083606.3 and 1 more transcripts); c.3362T>C, p.Val1121Ala (NM_001354918.2); short protein forms V1022A, V1107A, V1121A, V1172A, V1173A.
Identifiers: ClinVar variation 2419584 (VCV002419584.9), dbSNP rs2538020946, ClinGen allele CA374111498.